The following is an entry in ClinVar:

ClinVar aggregate classification (germline): Uncertain significance (1 of 4 stars; one submission).

Conditions:
Hypercholesterolemia, autosomal dominant, 3 (FHCL3). Also called: Familial Hypercholesterolemia, Autosomal Dominant, 3; PCSK9-Related Familial Hypercholesterolemia, Autosomal Dominant; Familial hypercholesterolemia 3. Identifiers: MedGen C1863551, MONDO:0011369, OMIM 603776.

gnomAD v4.1: 1 of 1,577,812 alleles (0.000063%); highest among the groups gnomAD compares: Non-Finnish European, 0.000086%; no homozygotes.

Submission:

All of Us Research Program, National Institutes of Health
Classification: Uncertain significance for Hypercholesterolemia, autosomal dominant, 3. Last evaluated: 2023-10-06. Review status: criteria provided, single submitter. Criteria: ACMG Guidelines, 2015. Collection method: clinical testing. Allele origin: germline. Inheritance: Autosomal dominant inheritance. Observed: 1 variant allele, 1 heterozygote.
Comment: This missense variant replaces valine with leucine at codon 310 of the PCSK9 protein. Computational prediction suggests that this variant may not impact protein structure and function (internally defined REVEL score threshold <= 0.5, PMID: 27666373). To our knowledge, functional studies have not been reported for this variant. This variant has not been reported in individuals affected with PCSK9-related disorders in the literature. This variant has not been identified in the general population by the Genome Aggregation Database (gnomAD). The available evidence is insufficient to determine the role of this variant in disease conclusively. Therefore, this variant is classified as a Variant of Uncertain Significance.

This study involves interpretation of variants in research participants for the purpose of population health screening. Participant phenotype was not available at the time of variant classification. Additional details can be found in publication PMID: 35346344, PMCID: PMC8962531

NM_174936.4(PCSK9):c.928G>T (p.Val310Leu)

Gene: PCSK9 (proprotein convertase subtilisin/kexin type 9; plus strand). Cytogenetic location: 1p32.3.
Variant type: single nucleotide variant.
Coding change: c.928G>T on transcript NM_174936.4 (MANE Select); coding-DNA position 928, G replaced by T.
Protein change: p.Val310Leu; replaces valine 310 with leucine.
Molecular consequence: missense variant. On other transcripts: non-coding transcript variant (8).
Genome position (GRCh38, 1-based): chr1:55,056,121, G>T. VCF-style: chr1-55056121-G-T. GRCh37 (hg19) VCF-style: chr1-55521794-G-T.
Other names: c.931G>T, p.Val311Leu (NM_001407242.1); c.871G>T, p.Val291Leu (NM_001407243.1); c.928G>T, p.Val310Leu (NM_001407244.1, NM_001407247.1, NM_001407241.1); c.736G>T, p.Val246Leu (NM_001407245.1); c.553G>T, p.Val185Leu (NM_001407246.1); c.1051G>T, p.Val351Leu (NM_001407240.1); short protein forms V185L, V246L, V291L, V310L, V311L, V351L.
Identifiers: ClinVar variation 3073810 (VCV003073810.1), dbSNP rs1200999906, ClinGen allele CA340474935.